The following is an entry in ClinVar:

NM_005428.4(VAV1):c.512A>G (p.Asp171Gly)

Gene: VAV1 (vav guanine nucleotide exchange factor 1; plus strand). Cytogenetic location: 19p13.3.
Variant type: single nucleotide variant.
Coding change: c.512A>G on transcript NM_005428.4 (MANE Select); coding-DNA position 512, A replaced by G.
Protein change: p.Asp171Gly; replaces aspartic acid 171 with glycine.
Molecular consequence: missense variant.
Genome position (GRCh38, 1-based): chr19:6,822,283, A>G. VCF-style: chr19-6822283-A-G. GRCh37 (hg19) VCF-style: chr19-6822294-A-G.
Other names: c.512A>G, p.Asp171Gly (NM_001258206.2, NM_001258207.2); short protein forms D171G.
Identifiers: ClinVar variation 2083330 (VCV002083330.4), dbSNP rs2512359051, ClinGen allele CA403615772.

ClinVar aggregate classification (germline): Uncertain significance (1 of 4 stars; one submission).

Submission:

Labcorp Genetics (formerly Invitae), Labcorp
Classification: Uncertain significance. Last evaluated: 2023-07-10. Review status: criteria provided, single submitter. Criteria: Invitae Variant Classification Sherloc (09022015). Collection method: clinical testing. Allele origin: germline.
Comment: This variant has not been reported in the literature in individuals affected with VAV1-related conditions. In summary, the available evidence is currently insufficient to determine the role of this variant in disease. Therefore, it has been classified as a Variant of Uncertain Significance. An algorithm developed to predict the effect of missense changes on protein structure and function (PolyPhen-2) suggests that this variant is likely to be disruptive. ClinVar contains an entry for this variant (Variation ID: 2083330). This variant is not present in population databases (gnomAD no frequency). This sequence change replaces aspartic acid, which is acidic and polar, with glycine, which is neutral and non-polar, at codon 171 of the VAV1 protein (p.Asp171Gly).